The following is an entry in ClinVar:

NM_174912.4(FAAH2):c.127C>T (p.Pro43Ser)

Gene: FAAH2 (fatty acid amide hydrolase 2; plus strand). Cytogenetic location: Xp11.21.
Variant type: single nucleotide variant.
Coding change: c.127C>T on transcript NM_174912.4 (MANE Select); coding-DNA position 127, C replaced by T.
Protein change: p.Pro43Ser; replaces proline 43 with serine.
Molecular consequence: missense variant. On other transcripts: non-coding transcript variant (2).
Genome position (GRCh38, 1-based): chrX:57,286,952, C>T. VCF-style: chrX-57286952-C-T. GRCh37 (hg19) VCF-style: chrX-57313385-C-T.
Other names: c.127C>T, p.Pro43Ser (NM_001353840.1, NM_001353841.1); short protein forms P43S.
Identifiers: ClinVar variation 3033341 (VCV003033341.2), dbSNP rs2051826047, ClinGen allele CA413384421.

ClinVar aggregate classification (germline): Uncertain significance (0 of 4 stars; one submission).

Conditions:
FAAH2-related disorder. Also called: FAAH2-related condition.

Allele frequency attached by ClinVar (database versions not stated): TOPMed 0.00001.

Submission:

PreventionGenetics, part of Exact Sciences
Classification: Uncertain significance for FAAH2-related condition. Last evaluated: 2024-01-30. Review status: no assertion criteria provided. Collection method: clinical testing. Allele origin: germline.
Comment: The FAAH2 c.127C>T variant is predicted to result in the amino acid substitution p.Pro43Ser. To our knowledge, this variant has not been reported in the literature or in a large population database, indicating this variant is rare. At this time, the clinical significance of this variant is uncertain due to the absence of conclusive functional and genetic evidence.